The following is an entry in ClinVar:

NM_020911.2(PLXNA4):c.2260C>T (p.Arg754Cys)

Gene: PLXNA4 (plexin A4; minus strand). Cytogenetic location: 7q32.3.
Variant type: single nucleotide variant.
Coding change: c.2260C>T on transcript NM_020911.2 (MANE Select); coding-DNA position 2260, C replaced by T.
Protein change: p.Arg754Cys; replaces arginine 754 with cysteine.
Molecular consequence: missense variant.
Genome position (GRCh38, 1-based): chr7:132,210,981, G>A on the plus strand (C>T on the coding strand, the complement: PLXNA4 is on the minus strand). VCF-style: chr7-132210981-G-A. GRCh37 (hg19) VCF-style: chr7-131895740-G-A.
Other names: c.2260C>T, p.Arg754Cys (NM_001393897.1); short protein forms R754C.
Identifiers: ClinVar variation 4140153 (VCV004140153.2).

ClinVar aggregate classification (germline): Uncertain significance. Review status: criteria provided, multiple submitters, no conflicts (2 of 4 stars). 2 submissions from 2 submitters: Uncertain significance (2). Last evaluated 2025-06-24.

Conditions:
PLXNA4-related disorder. Also called: PLXNA4-related condition.

gnomAD v4.1: 3 of 1,613,212 alleles (0.00019%); highest among the groups gnomAD compares: Non-Finnish European, 0.00025%; no homozygotes.

Submissions (2):

Ambry Genetics
Classification: Uncertain significance. Last evaluated: 2025-06-24. Review status: criteria provided, single submitter. Criteria: Ambry Variant Classification Scheme 2023. Collection method: clinical testing. Allele origin: germline.

PreventionGenetics, part of Exact Sciences
Classification: Uncertain significance for PLXNA4-related condition. Last evaluated: 2025-06-16. Review status: criteria provided, single submitter. Criteria: ACMG Guidelines, 2015. Collection method: clinical testing. Allele origin: germline.
Comment: The PLXNA4 c.2260C>T variant is predicted to result in the amino acid substitution p.Arg754Cys. To our knowledge, this variant has not been reported in the literature or in a large population database (gnomAD), indicating this variant is rare. At this time, the clinical significance of this variant is uncertain due to the absence of conclusive functional and genetic evidence.